The following is an entry in ClinVar:

NM_003937.3(KYNU):c.956-1G>T

Gene: KYNU (kynureninase; plus strand). Cytogenetic location: 2q22.2.
Variant type: single nucleotide variant.
Coding change: c.956-1G>T on transcript NM_003937.3 (MANE Select); the canonical splice acceptor site of the intron before coding-DNA position 956, G replaced by T.
Molecular consequence: splice acceptor variant.
Genome position (GRCh38, 1-based): chr2:143,033,235, G>T. VCF-style: chr2-143033235-G-T. GRCh37 (hg19) VCF-style: chr2-143790804-G-T.
Other names: c.956-1G>T (NM_001199241.2).
Identifiers: ClinVar variation 5019022 (VCV005019022.2).

ClinVar aggregate classification (germline): Likely pathogenic (1 of 4 stars; one submission).

Conditions:
Hydroxykynureninuria. Also called: Kynureninase deficiency; Encephalopathy due to hydroxykynureninuria; Xanthurenic aciduria. Identifiers: Orphanet 79155, MedGen C0268474, MONDO:0009372, OMIM 236800.
Vertebral, cardiac, renal, and limb defects syndrome 2. Also called: KYNURENINASE DEFICIENCY, COMPLETE; CONGENITAL NAD DEFICIENCY DISORDER 2. Identifiers: MedGen C4540014, MONDO:0060555, OMIM 617661.

Submission:

Juno Genomics, Hangzhou Juno Genomics, Inc
Classification: Likely pathogenic for Vertebral, cardiac, renal, and limb defects syndrome 2; Hydroxykynureninuria. Review status: criteria provided, single submitter. Criteria: ACMG Guidelines, 2015. Collection method: clinical testing. Allele origin: germline.
Comment: Absent from controls (or at extremely low frequency if recessive) in Genome Aggregation Database.;Null variant in a gene where loss of function (LOF) is a known mechanism of disease.